The following is an entry in ClinVar:

NM_182925.5(FLT4):c.2815del (p.Leu939fs)

Gene: FLT4 (fms related receptor tyrosine kinase 4; minus strand). Cytogenetic location: 5q35.3.
Variant type: Deletion.
Coding change: c.2815del on transcript NM_182925.5 (MANE Select); coding-DNA position 2815, one base deleted (C; older notation c.2815delC).
Protein change: p.Leu939fs; shifts the reading frame from leucine 939.
Molecular consequence: frameshift variant.
Genome position (GRCh38, 1-based): chr5:180,619,056, G deleted on the plus strand (C on the coding strand, the reverse complement: FLT4 is on the minus strand); the first of 2 consecutive G bases (chr5:180,619,056-180,619,057); deleting either gives the same sequence. VCF-style (leftmost placement, unchanged base first): chr5-180619055-AG-A. GRCh37 (hg19) VCF-style: chr5-180046055-AG-A.
Other names: c.2815del, p.Leu939fs (NM_001354989.2, NM_002020.5); short protein forms L939fs.
Identifiers: ClinVar variation 2630521 (VCV002630521.1), dbSNP rs2480883778, ClinGen allele CA2695198801.

ClinVar aggregate classification (germline): Pathogenic (1 of 4 stars; one submission).

Conditions:
FLT4-related disorder. Also called: FLT4-related condition.

Submission:

PreventionGenetics, part of Exact Sciences
Classification: Pathogenic for FLT4-related condition. Last evaluated: 2023-03-09. Review status: criteria provided, single submitter. Criteria: ACMG Guidelines, 2015. Collection method: clinical testing. Allele origin: germline.
Comment: The FLT4 c.2815delC variant is predicted to result in a frameshift and premature protein termination (p.Leu939Cysfs*68). To our knowledge, this variant has not been reported in the literature or in a large population database, indicating this variant is rare. Frameshift variants in FLT4 are expected to be pathogenic. This variant is interpreted as pathogenic.